The following is an entry in ClinVar:

ClinVar aggregate classification (germline): Conflicting classifications of pathogenicity. Review status: criteria provided, conflicting classifications (1 of 4 stars). 2 submissions from 2 submitters: Uncertain significance (1); Likely benign (1). Last evaluated 2025-07-17.

Allele frequency attached by ClinVar (database versions not stated): TOPMed below 0.00001; ExAC 0.00001.
gnomAD v4.1: 2 of 1,614,118 alleles (0.00012%); highest among the groups gnomAD compares: Admixed American, 0.0033%; no homozygotes.

Submissions (2):

Women's Health and Genetics/Laboratory Corporation of America, LabCorp
Classification: Uncertain significance. Last evaluated: 2025-07-17. Review status: criteria provided, single submitter. Criteria: LabCorp Variant Classification Summary - May 2015. Collection method: clinical testing. Allele origin: germline.
Comment: Variant summary: NSD1 c.1407C>A (p.Asp469Glu) results in a conservative amino acid change in the encoded protein sequence. Algorithms developed to predict the effect of missense changes on protein structure and function all suggest that this variant is likely to be tolerated. The variant allele was found at a frequency of 8e-06 in 251438 control chromosomes. The available data on variant occurrences in the general population are insufficient to allow any conclusion about variant significance. To our knowledge, no occurrence of c.1407C>A in individuals affected with Sotos Syndrome and no experimental evidence demonstrating its impact on protein function have been reported. ClinVar contains an entry for this variant (Variation ID: 2174601). Based on the evidence outlined above, the variant was classified as uncertain significance.

Labcorp Genetics (formerly Invitae), Labcorp
Classification: Likely benign. Last evaluated: 2022-05-11. Review status: criteria provided, single submitter. Criteria: Invitae Variant Classification Sherloc (09022015). Collection method: clinical testing. Allele origin: germline.

NM_022455.5(NSD1):c.1407C>A (p.Asp469Glu)

Gene: NSD1 (nuclear receptor binding SET domain protein 1; plus strand). Cytogenetic location: 5q35.3.
Variant type: single nucleotide variant.
Coding change: c.1407C>A on transcript NM_022455.5 (MANE Select); coding-DNA position 1407, C replaced by A.
Protein change: p.Asp469Glu; replaces aspartic acid 469 with glutamic acid.
Molecular consequence: missense variant.
Genome position (GRCh38, 1-based): chr5:177,209,806, C>A. VCF-style: chr5-177209806-C-A. GRCh37 (hg19) VCF-style: chr5-176636807-C-A.
Other names: c.534C>A, p.Asp178Glu (NM_001365684.2, NM_001409306.1, NM_001409307.1 and 3 more transcripts); c.1407C>A, p.Asp469Glu (NM_001409301.1, NM_001409302.1, NM_001409303.1); c.987C>A, p.Asp329Glu (NM_001409304.1); c.654C>A, p.Asp218Glu (NM_001409305.1); short protein forms D329E, D469E, D200E, D178E, D218E.
Identifiers: ClinVar variation 2174601 (VCV002174601.5), dbSNP rs764760238, ClinGen allele CA3577081.
Genomic context (GRCh38, chr5:177,209,806, plus strand): 5'-GGACAGTGAAGAAGATATGCCATTTGAAGACTGCACAAATGATCCTGAGTCAGAACATGA[C>A]CTGTTGCTTAATGGCTGTTTGAAATCACTGGCTTTTGATTCTGAACATTCTGCAGATGAG-3'
Protein context (NP_071900.2, residues 459-479): DCTNDPESEH[Asp469Glu]LLLNGCLKSL